The following is an entry in ClinVar:

ClinVar aggregate classification (germline): Conflicting classifications of pathogenicity. Review status: criteria provided, conflicting classifications (1 of 4 stars). 5 submissions from 5 submitters: Uncertain significance (3); Likely benign (1). 1 of the submissions does not count toward it. Last evaluated 2026-09-15.

Conditions:
SACS-related disorder. Also called: SACS-related condition.
Charlevoix-Saguenay spastic ataxia (SACS). Also called: AUTOSOMAL RECESSIVE SPASTIC ATAXIA OF CHARLEVOIX-SAGUENAY; SPASTIC ATAXIA 6, AUTOSOMAL RECESSIVE; Spastic ataxia of Charlevoix-Saguenay. Identifiers: Orphanet 98, MedGen C1849140, MONDO:0010041, OMIM 270550.
Spastic paraplegia. Identifiers: MedGen C0037772, HP:0001258.

Allele frequency attached by ClinVar (database versions not stated): gnomAD 0.00001 and 0.00003; gnomAD exomes 0.00003 and 0.00004; TOPMed 0.00003; ExAC 0.00006; 1000 Genomes Project 30x 0.00016; 1000 Genomes Project 0.00020.
gnomAD v4.1: 47 of 1,614,042 alleles (0.0029%); highest among the groups gnomAD compares: Non-Finnish European, 0.0036%; no homozygotes.

Submissions (5):

PreventionGenetics, part of Exact Sciences
Classification: Uncertain significance for SACS-related condition. Last evaluated: 2026-09-15. Review status: criteria provided, single submitter. Criteria: ACMG Guidelines, 2015. Collection method: clinical testing. Allele origin: germline.
Comment: The SACS c.1846G>C variant is predicted to result in the amino acid substitution p.Ala616Pro. This variant has been reported as a polymorphism in a cerebellar ataxia cohort without individual patient details (Vermeer et al. 2009. PubMed ID: 19779133). This variant is reported in 0.0079% of alleles in individuals of European (Non-Finnish) descent in gnomAD. At this time, the clinical significance of this variant is uncertain due to the absence of conclusive functional and genetic evidence.

Labcorp Genetics (formerly Invitae), Labcorp
Classification: Likely benign for Spastic paraplegia. Last evaluated: 2026-01-13. Review status: criteria provided, single submitter. Criteria: Invitae Variant Classification Sherloc (09022015). Collection method: clinical testing. Allele origin: germline.

Genome-Nilou Lab
Classification: Uncertain significance for Charlevoix-Saguenay spastic ataxia. Last evaluated: 2021-09-05. Review status: criteria provided, single submitter. Criteria: ACMG Guidelines, 2015. Collection method: clinical testing. Allele origin: germline. Affected: no.

Athena Diagnostics
Classification: Uncertain significance. Last evaluated: 2018-03-30. Review status: criteria provided, single submitter. Criteria: Athena Diagnostics Criteria. Collection method: clinical testing. Allele origin: germline.

Natera, Inc.
Classification: Uncertain significance for Charlevoix-Saguenay type spastic ataxia. Last evaluated: 2021-04-20. Review status: no assertion criteria provided. Collection method: clinical testing. Allele origin: germline. Not counted in ClinVar's aggregate classification.

Literature cited by the submitters: PubMed 19779133 (cited by Athena Diagnostics); PubMed 23280630 (cited by Athena Diagnostics).

NM_014363.6(SACS):c.1846G>C (p.Ala616Pro)

Gene: SACS (sacsin molecular chaperone; minus strand). Cytogenetic location: 13q12.12.
Variant type: single nucleotide variant.
Coding change: c.1846G>C on transcript NM_014363.6 (MANE Select); coding-DNA position 1846, G replaced by C.
Protein change: p.Ala616Pro; replaces alanine 616 with proline.
Molecular consequence: missense variant.
Genome position (GRCh38, 1-based): chr13:23,354,766, C>G on the plus strand (G>C on the coding strand, the complement: SACS is on the minus strand). VCF-style: chr13-23354766-C-G. GRCh37 (hg19) VCF-style: chr13-23928905-C-G.
Other names: c.1405G>C, p.Ala469Pro (NM_001278055.2); short protein forms A616P, A469P.
Identifiers: ClinVar variation 586424 (VCV000586424.15), dbSNP rs200437752, ClinGen allele CA6911841.